The following is an entry in ClinVar:

ClinVar aggregate classification (germline): Pathogenic/Likely pathogenic. Review status: criteria provided, multiple submitters, no conflicts (2 of 4 stars). 2 submissions from 2 submitters: Pathogenic (1); Likely pathogenic (1). Last evaluated 2025-05-12.

Conditions:
Dihydropyrimidinase deficiency (DPYSD). Also called: DPH DEFICIENCY; DPYS DEFICIENCY; dihydropyrimidinuria. Identifiers: Orphanet 38874, MedGen C0342803, MONDO:0009111, OMIM 222748.
DPYS-related disorders.

gnomAD v4.1: 110 of 1,613,970 alleles (0.0068%); highest among the groups gnomAD compares: South Asian, 0.022%; no homozygotes.

Submissions (2):

Women's Health and Genetics/Laboratory Corporation of America, LabCorp
Classification: Pathogenic for Dihydropyrimidinase deficiency. Last evaluated: 2025-05-12. Review status: criteria provided, single submitter. Criteria: LabCorp Variant Classification Summary - May 2015. Collection method: clinical testing. Allele origin: germline.
Comment: Variant summary: DPYS c.904C>T (p.Arg302X) results in a premature termination codon, predicted to cause a truncation of the encoded protein or absence of the protein due to nonsense mediated decay, which are commonly known mechanisms for disease. The variant allele was found at a frequency of 6.8e-05 in 251346 control chromosomes. This frequency is not significantly higher than estimated for a pathogenic variant in DPYS causing Dihydropyrimidinase Deficiency, allowing no conclusion about variant significance. To our knowledge, no occurrence of c.904C>T in individuals affected with Dihydropyrimidinase Deficiency and no experimental evidence demonstrating its impact on protein function have been reported. No submitters have cited clinical-significance assessments for this variant to ClinVar. Based on the evidence outlined above, the variant was classified as pathogenic.

Blueprint Genetics
Classification: Likely pathogenic for DPYS-related disorders. Last evaluated: 2024-07-03. Review status: criteria provided, single submitter. Criteria: ACMG Guidelines, 2015. Collection method: clinical testing. Allele origin: germline. Affected: yes. Observed: 5 variant alleles.

NM_001385.3(DPYS):c.904C>T (p.Arg302Ter)

Gene: DPYS (dihydropyrimidinase; minus strand). Cytogenetic location: 8q22.3.
Variant type: single nucleotide variant.
Coding change: c.904C>T on transcript NM_001385.3 (MANE Select); coding-DNA position 904, C replaced by T.
Protein change: p.Arg302Ter; replaces arginine 302 with a stop codon.
Molecular consequence: nonsense.
Genome position (GRCh38, 1-based): chr8:104,429,591, G>A on the plus strand (C>T on the coding strand, the complement: DPYS is on the minus strand). VCF-style: chr8-104429591-G-A. GRCh37 (hg19) VCF-style: chr8-105441819-G-A.
Other names: short protein forms R302*.
Identifiers: ClinVar variation 3902332 (VCV003902332.2).